The following is an entry in ClinVar:

ClinVar aggregate classification (germline): Likely pathogenic (1 of 4 stars; one submission).

Submission:

Labcorp Genetics (formerly Invitae), Labcorp
Classification: Likely pathogenic. Last evaluated: 2017-09-15. Review status: criteria provided, single submitter. Criteria: Invitae Variant Classification Sherloc (09022015). Collection method: clinical testing. Allele origin: germline.
Comment: In summary, the currently available evidence indicates that the variant is pathogenic, but additional data are needed to prove that conclusively. Therefore, this variant has been classified as Likely Pathogenic. Donor and acceptor splice site variants typically lead to a loss of protein function (PMID: 16199547), and loss-of-function variants in ADGRV1 are known to be pathogenic (PMID: 19357117, 22135276, 22147658). This sequence change affects an acceptor splice site in intron 64 of the ADGRV1 gene. It is expected to disrupt RNA splicing and likely results in an absent or disrupted protein product. This variant is not present in population databases (ExAC no frequency). This variant has not been reported in the literature in individuals with ADGRV1-related disease. Algorithms developed to predict the effect of sequence changes on RNA splicing suggest that this variant may disrupt the consensus splice site, but this prediction has not been confirmed by published transcriptional studies.

Literature cited by the submitters: PubMed 16199547; PubMed 19357117; PubMed 22135276; PubMed 22147658.

NM_032119.4(ADGRV1):c.13083-1G>A

Gene: ADGRV1 (adhesion G protein-coupled receptor V1; plus strand). Cytogenetic location: 5q14.3.
Variant type: single nucleotide variant.
Coding change: c.13083-1G>A on transcript NM_032119.4 (MANE Select); the canonical splice acceptor site of the intron before coding-DNA position 13083, G replaced by A.
Molecular consequence: splice acceptor variant.
Genome position (GRCh38, 1-based): chr5:90,781,429, G>A. VCF-style: chr5-90781429-G-A. GRCh37 (hg19) VCF-style: chr5-90077246-G-A.
Identifiers: ClinVar variation 1067927 (VCV001067927.7), dbSNP rs2150094107, ClinGen allele CA360391609.